The following is an entry in ClinVar:

NM_016529.6(ATP8A2):c.1058-2A>G

Gene: ATP8A2 (ATPase phospholipid transporting 8A2). Cytogenetic location: 13q12.13.
Variant type: single nucleotide variant.
Coding change: c.1058-2A>G on transcript NM_016529.6 (MANE Select); the canonical splice acceptor site of the intron before coding-DNA position 1058, A replaced by G.
Molecular consequence: splice acceptor variant.
Genome position (GRCh38, 1-based): chr13:25,553,791, A>G. VCF-style: chr13-25553791-A-G. GRCh37 (hg19) VCF-style: chr13-26127929-A-G.
Other names: c.1058-2A>G (NM_001411005.1, NM_001411006.1); c.938-2A>G (NM_001313741.1).
Identifiers: ClinVar variation 931002 (VCV000931002.3), dbSNP rs1304832284, ClinGen allele CA387612990.

ClinVar aggregate classification (germline): Likely pathogenic (1 of 4 stars; one submission).

Conditions:
Cerebellar ataxia, impaired intellectual development, and dysequilibrium syndrome 4. Also called: CEREBELLAR ATAXIA AND MENTAL RETARDATION WITH OR WITHOUT QUADRUPEDAL LOCOMOTION 4; Cerebellar ataxia, mental retardation, and dysequilibrium syndrome 4; Cerebellar ataxia, intellectual disability, and dysequilibrium syndrome 4. Identifiers: Orphanet 1766, MedGen C3808977, MONDO:0014104, OMIM 615268.

Allele frequency attached by ClinVar (database versions not stated): TOPMed below 0.00001; gnomAD 0.00001.
gnomAD v4.1: 1 of 1,611,158 alleles (0.000062%); highest among the groups gnomAD compares: Non-Finnish European, 0.000085%; no homozygotes.

Submission:

Centre for Mendelian Genomics, University Medical Centre Ljubljana
Classification: Likely pathogenic for Cerebellar ataxia, impaired intellectual development, and dysequilibrium syndrome 4. Last evaluated: 2016-01-01. Review status: criteria provided, single submitter. Criteria: ACMG Guidelines, 2015. Collection method: clinical testing. Allele origin: unknown. Affected: yes.
Comment: This variant was classified as: Likely pathogenic. The following ACMG criteria were applied in classifying this variant: PVS1,PM2. This variant was detected in homozygous state.